The following is an entry in ClinVar:

NM_014045.5(LRP10):c.1501G>T (p.Ala501Ser)

Gene: LRP10 (LDL receptor related protein 10; plus strand). Cytogenetic location: 14q11.2.
Variant type: single nucleotide variant.
Coding change: c.1501G>T on transcript NM_014045.5 (MANE Select); coding-DNA position 1501, G replaced by T.
Protein change: p.Ala501Ser; replaces alanine 501 with serine.
Molecular consequence: missense variant.
Genome position (GRCh38, 1-based): chr14:22,876,765, G>T. VCF-style: chr14-22876765-G-T. GRCh37 (hg19) VCF-style: chr14-23345974-G-T.
Other names: NC_000014.8:g.23345974G>T; c.1501G>T, p.Ala501Ser (NM_001329226.2); short protein forms A501S.
Identifiers: ClinVar variation 3041224 (VCV003041224.3), dbSNP rs116010131, ClinGen allele CA7105947.

ClinVar aggregate classification (germline): Benign (0 of 4 stars; one submission).

Conditions:
LRP10-related disorder. Also called: LRP10-related condition.

Allele frequency attached by ClinVar (database versions not stated): gnomAD exomes 0.00104; ExAC 0.00322; 1000 Genomes Project 0.00958; gnomAD 0.00982; 1000 Genomes Project 30x 0.01031; TOPMed 0.01110; ESP Exome Variant Server 0.01115.
gnomAD v4.1: 3,093 of 1,613,772 alleles (0.19%); highest among the groups gnomAD compares: African/African-American, 3.5%; 52 homozygotes.

Submissions (6):

PreventionGenetics, part of Exact Sciences
Classification: Benign for LRP10-related condition. Last evaluated: 2019-02-18. Review status: no assertion criteria provided. Collection method: clinical testing. Allele origin: germline.
Comment: This variant is classified as benign based on ACMG/AMP sequence variant interpretation guidelines (Richards et al. 2015 PMID: 25741868, with internal and published modifications).

Dr. Peter K. Rogan Lab, Western University
No classification provided (evidence only). Condition: Clear cell carcinoma of kidney. Review status: no classification provided. Collection method: in vitro. Allele origin: not applicable. Functional consequence: skipped exon. Not counted in ClinVar's aggregate classification.

Dr. Peter K. Rogan Lab, Western University
No classification provided (evidence only). Condition: Lung cancer. Review status: no classification provided. Collection method: in vitro. Allele origin: not applicable. Functional consequence: skipped exon, retained intron. Not counted in ClinVar's aggregate classification.

Dr. Peter K. Rogan Lab, Western University
No classification provided (evidence only). Condition: Lung cancer. Review status: no classification provided. Collection method: in vitro. Allele origin: not applicable. Functional consequence: retained intron. Not counted in ClinVar's aggregate classification.

Dr. Peter K. Rogan Lab, Western University
No classification provided (evidence only). Condition: Uterine corpus endometrial carcinoma. Review status: no classification provided. Collection method: in vitro. Allele origin: not applicable. Functional consequence: retained intron. Not counted in ClinVar's aggregate classification.

Dr. Peter K. Rogan Lab, Western University
No classification provided (evidence only). Condition: Nonpapillary renal cell carcinoma. Review status: no classification provided. Collection method: in vitro. Allele origin: not applicable. Functional consequence: retained intron. Not counted in ClinVar's aggregate classification.